The following is an entry in ClinVar:

ClinVar aggregate classification (germline): Uncertain significance (1 of 4 stars; one submission).

Conditions:
Giant axonal neuropathy 1 (GAN1). Also called: GIANT AXONAL NEUROPATHY 1, AUTOSOMAL RECESSIVE; GAN-Related Neurodegeneration. Identifiers: Orphanet 643, MedGen C1850386, MONDO:0009749, OMIM 256850.

Submission:

Labcorp Genetics (formerly Invitae), Labcorp
Classification: Uncertain significance for Giant axonal neuropathy 1. Last evaluated: 2025-02-19. Review status: criteria provided, single submitter. Criteria: Invitae Variant Classification Sherloc (09022015). Collection method: clinical testing. Allele origin: germline.
Comment: This sequence change replaces glutamic acid, which is acidic and polar, with alanine, which is neutral and non-polar, at codon 180 of the GAN protein (p.Glu180Ala). This variant is not present in population databases (gnomAD no frequency). This variant has not been reported in the literature in individuals affected with GAN-related conditions. Invitae Evidence Modeling of protein sequence and biophysical properties (such as structural, functional, and spatial information, amino acid conservation, physicochemical variation, residue mobility, and thermodynamic stability) indicates that this missense variant is not expected to disrupt GAN protein function with a negative predictive value of 80%. In summary, the available evidence is currently insufficient to determine the role of this variant in disease. Therefore, it has been classified as a Variant of Uncertain Significance.

NM_022041.4(GAN):c.539A>C (p.Glu180Ala)

Gene: GAN (gigaxonin; plus strand). Cytogenetic location: 16q23.2.
Variant type: single nucleotide variant.
Coding change: c.539A>C on transcript NM_022041.4 (MANE Select); coding-DNA position 539, A replaced by C.
Protein change: p.Glu180Ala; replaces glutamic acid 180 with alanine.
Molecular consequence: missense variant. On other transcripts: 5 prime UTR variant (1).
Genome position (GRCh38, 1-based): chr16:81,354,661, A>C. VCF-style: chr16-81354661-A-C. GRCh37 (hg19) VCF-style: chr16-81388266-A-C.
Other names: c.-101A>C (NM_001377486.1); short protein forms E180A.
Identifiers: ClinVar variation 4741991 (VCV004741991.1).